The following is an entry in ClinVar:

NM_001106.4(ACVR2B):c.147C>T (p.Cys49=)

Gene: ACVR2B (activin A receptor type 2B; plus strand). Cytogenetic location: 3p22.2.
Variant type: single nucleotide variant.
Coding change: c.147C>T on transcript NM_001106.4 (MANE Select); coding-DNA position 147, C replaced by T.
Protein change: p.Cys49=; no amino-acid change (cysteine 49 retained).
Molecular consequence: synonymous variant.
Genome position (GRCh38, 1-based): chr3:38,477,381, C>T. VCF-style: chr3-38477381-C-T. GRCh37 (hg19) VCF-style: chr3-38518872-C-T.
Identifiers: ClinVar variation 344912 (VCV000344912.38), dbSNP rs201686292, ClinGen allele CA2318714.

ClinVar aggregate classification (germline): Benign/Likely benign. Review status: criteria provided, multiple submitters, no conflicts (2 of 4 stars). 5 submissions from 5 submitters: Benign (4); Likely benign (1). Last evaluated 2025-04-12.

Conditions:
Heterotaxy, visceral, 4, autosomal (HTX4). Identifiers: Orphanet 450, MedGen C3151057, MONDO:0013403, OMIM 613751.

Allele frequency attached by ClinVar (database versions not stated): gnomAD 0.00004 and 0.00043; TOPMed 0.00011; gnomAD exomes 0.00071 and 0.00160; ExAC 0.00178; 1000 Genomes Project 30x 0.00265; 1000 Genomes Project 0.00300.
gnomAD v4.1: 1,119 of 1,614,150 alleles (0.069%); highest among the groups gnomAD compares: South Asian, 1.1%; 11 homozygotes.

Submissions (5):

Labcorp Genetics (formerly Invitae), Labcorp
Classification: Benign for Heterotaxy, visceral, 4, autosomal. Last evaluated: 2025-04-12. Review status: criteria provided, single submitter. Criteria: Invitae Variant Classification Sherloc (09022015). Collection method: clinical testing. Allele origin: germline.

Blueprint Genetics
Classification: Likely benign. Last evaluated: 2024-11-26. Review status: criteria provided, single submitter. Criteria: ACMG Guidelines, 2015. Collection method: clinical testing. Allele origin: germline.

CeGaT Center for Human Genetics Tuebingen
Classification: Benign. Last evaluated: 2023-02-01. Review status: criteria provided, single submitter. Criteria: CeGaT Center For Human Genetics Tuebingen Variant Classification Criteria Version 2. Collection method: clinical testing. Allele origin: germline. Affected: yes. Observed: 1 variant allele.
Comment: ACVR2B: BP4, BP7, BS1, BS2

Illumina Laboratory Services, Illumina
Classification: Benign for Heterotaxy, visceral, 4, autosomal. Last evaluated: 2018-01-12. Review status: criteria provided, single submitter. Criteria: ICSL Variant Classification Criteria 13 December 2019. Collection method: clinical testing. Allele origin: germline.
Comment: This variant was observed in the ICSL laboratory as part of a predisposition screen in an ostensibly healthy population. It had not been previously curated by ICSL or reported in the Human Gene Mutation Database (HGMD: prior to June 1st, 2018), and was therefore a candidate for classification through an automated scoring system. Utilizing variant allele frequency, disease prevalence and penetrance estimates, and inheritance mode, an automated score was calculated to assess if this variant is too frequent to cause the disease. Based on the score and internal cut-off values, a variant classified as benign is not then subjected to further curation. The score for this variant resulted in a classification of benign for this disease.

Breakthrough Genomics
Classification: Benign. Review status: criteria provided, single submitter. Criteria: ACMG Guidelines, 2015. Collection method: not provided. Allele origin: germline. Inheritance: Unknown mechanism. Affected: yes.